The following is an entry in ClinVar:

ClinVar aggregate classification (germline): Pathogenic (1 of 4 stars; one submission).

Submission:

Labcorp Genetics (formerly Invitae), Labcorp
Classification: Pathogenic. Last evaluated: 2025-06-27. Review status: criteria provided, single submitter. Criteria: Invitae Variant Classification Sherloc (09022015). Collection method: clinical testing. Allele origin: germline.
Comment: This sequence change creates a premature translational stop signal (p.Thr3158Asnfs*44) in the DNAH9 gene. It is expected to result in an absent or disrupted protein product. Loss-of-function variants in DNAH9 are known to be pathogenic (PMID: 30471718). This variant is present in population databases (rs753459543, gnomAD 0.01%). This variant has not been reported in the literature in individuals affected with DNAH9-related conditions. For these reasons, this variant has been classified as Pathogenic.

Literature cited by the submitters: PubMed 30471718.

NM_001372.4(DNAH9):c.9472dup (p.Thr3158fs)

Gene: DNAH9 (dynein axonemal heavy chain 9; plus strand). Cytogenetic location: 17p12.
Variant type: Duplication.
Coding change: c.9472dup on transcript NM_001372.4 (MANE Select); coding-DNA position 9472, one base duplicated (A; older notation c.9472dupA).
Protein change: p.Thr3158fs; shifts the reading frame from threonine 3158.
Molecular consequence: frameshift variant.
Genome position (GRCh38, 1-based): chr17:11,834,863, A duplicated. VCF-style (leftmost placement, unchanged base first): chr17-11834862-C-CA. GRCh37 (hg19) VCF-style: chr17-11738179-C-CA.
Other names: short protein forms T3158fs.
Identifiers: ClinVar variation 4705658 (VCV004705658.1).
Genomic context (GRCh38, chr17:11,834,862, plus strand): 5'-AGAGGTGAAACAGAAGCAGAAGGACTGTGAGGAGGACCTGGCAAAGGCTGAGCCAGCACT[C>CA]ACAGCAGCGCAGGCAGCTCTCAACACCCTGAACAAGGTAGGAGGACTGTCTGCCATACCT-3'